The following is an entry in ClinVar:

ClinVar aggregate classification (germline): Uncertain significance (1 of 4 stars; one submission).

Conditions:
TTN-related disorder. Also called: TTN-related disorders; TTN-related condition; TTN-related disease.

gnomAD v4.1: 3 of 1,611,914 alleles (0.00019%); highest among the groups gnomAD compares: African/African-American, 0.004%; no homozygotes.

Submission:

PreventionGenetics, part of Exact Sciences
Classification: Uncertain significance for TTN-related condition. Last evaluated: 2025-08-14. Review status: criteria provided, single submitter. Criteria: ACMG Guidelines, 2015. Collection method: clinical testing. Allele origin: germline.
Comment: The TTN c.50243C>G variant is predicted to result in the amino acid substitution p.Thr16748Ser. To our knowledge, this variant has not been reported in the literature or in a large population database (gnomAD), indicating this variant is rare. At this time, the clinical significance of this variant is uncertain due to the absence of conclusive functional and genetic evidence.

NM_001267550.2(TTN):c.50243C>G (p.Thr16748Ser)

Genes: TTN (titin; minus strand), TTN-AS1 (TTN antisense RNA 1; plus strand). Cytogenetic location: 2q31.2.
Variant type: single nucleotide variant.
Coding change: c.50243C>G on transcript NM_001267550.2 (MANE Select); coding-DNA position 50243, C replaced by G.
Protein change: p.Thr16748Ser; replaces threonine 16748 with serine.
Molecular consequence: missense variant.
Genome position (GRCh38, 1-based): chr2:178,612,282, G>C on the plus strand (C>G on the coding strand, the complement: TTN is on the minus strand). VCF-style: chr2-178612282-G-C. GRCh37 (hg19) VCF-style: chr2-179477009-G-C.
Other names: c.45320C>G, p.Thr15107Ser (NM_001256850.1); c.23048C>G, p.Thr7683Ser (NM_003319.4); c.42539C>G, p.Thr14180Ser (NM_133378.4); c.23423C>G, p.Thr7808Ser (NM_133432.3); c.23624C>G, p.Thr7875Ser (NM_133437.4); short protein forms T7683S, T7808S, T14180S, T15107S, T16748S, T7875S.
Identifiers: ClinVar variation 4989619 (VCV004989619.1).